The following is an entry in ClinVar:

NM_000256.3(MYBPC3):c.505_505+7del

Gene: MYBPC3 (myosin binding protein C3; minus strand). Cytogenetic location: 11p11.2.
Variant type: Deletion.
Coding change: c.505_505+7del on transcript NM_000256.3 (MANE Select); coding-DNA position 505 through 7 bases into the intron after coding-DNA position 505, 8 bases deleted (GGTGAGTG; older notation c.505_505+7delGGTGAGTG).
Molecular consequence: splice donor variant.
Genome position (GRCh38, 1-based): chr11:47,350,007-47,350,014, CACTCACC deleted on the plus strand (GGTGAGTG on the coding strand, the reverse complement: MYBPC3 is on the minus strand); deleting any 8 consecutive bases within chr11:47,350,007-47,350,017 gives the same sequence; the c. name uses the placement nearest the transcript's 3' end. VCF-style (leftmost placement, unchanged base first): chr11-47350006-ACACTCACC-A. GRCh37 (hg19) VCF-style: chr11-47371557-ACACTCACC-A.
Other names: c.505_505+7del (LRG_386t1); c.505_505+7delGGTGAGTG (NM_000256.3).
Identifiers: ClinVar variation 520377 (VCV000520377.8), dbSNP rs1555123473, ClinGen allele CA658797645.

ClinVar aggregate classification (germline): Pathogenic/Likely pathogenic. Review status: criteria provided, multiple submitters, no conflicts (2 of 4 stars). 2 submissions from 2 submitters: Pathogenic (1); Likely pathogenic (1). Last evaluated 2025-11-05.

Conditions:
Hypertrophic cardiomyopathy. Also called: HYPERTROPHIC MYOCARDIOPATHY. Identifiers: Orphanet 217569, MedGen C0007194, MeSH D002312, MONDO:0005045, HP:0001639.
Cardiovascular phenotype. Identifiers: MedGen CN230736.

Submissions (2):

Labcorp Genetics (formerly Invitae), Labcorp
Classification: Likely pathogenic for Hypertrophic cardiomyopathy. Last evaluated: 2025-11-05. Review status: criteria provided, single submitter. Criteria: Invitae Variant Classification Sherloc (09022015). Collection method: clinical testing. Allele origin: germline.
Comment: This variant results in the deletion of part of exon 4 (c.505_505+7del) of the MYBPC3 gene. It is expected to disrupt RNA splicing. Variants that disrupt the donor or acceptor splice site typically lead to a loss of protein function (PMID: 16199547), and loss-of-function variants in MYBPC3 are known to be pathogenic (PMID: 19574547). This variant is not present in population databases (gnomAD no frequency). This variant has not been reported in the literature in individuals affected with MYBPC3-related conditions. ClinVar contains an entry for this variant (Variation ID: 520377). Algorithms developed to predict the effect of sequence changes on RNA splicing suggest that this variant may disrupt the consensus splice site. In summary, the currently available evidence indicates that the variant is pathogenic, but additional data are needed to prove that conclusively. Therefore, this variant has been classified as Likely Pathogenic.

Ambry Genetics
Classification: Pathogenic for Cardiovascular phenotype. Last evaluated: 2017-11-13. Review status: criteria provided, single submitter. Criteria: Ambry Variant Classification Scheme 2023. Collection method: clinical testing. Allele origin: germline.
Comment: The c.505_505+7delGGTGAGTG pathogenic mutation results from a deletion of GGTGAGTG at nucleotide positions 505 to 505+7, spanning the last nucleotide to the seven nucleotides downstream of coding exon four of the MYBPC3 gene. Alterations that disrupt the canonical splice site are expected to cause aberrant splicing, resulting in an abnormal protein or a transcript that is subject to nonsense-mediated mRNA decay. As such, this alteration is classified as a disease-causing mutation.

Literature cited by the submitters: PubMed 16199547 (cited by Labcorp Genetics (formerly Invitae), Labcorp); PubMed 19574547 (cited by Labcorp Genetics (formerly Invitae), Labcorp).